The following is an entry in ClinVar:

NM_001148.6(ANK2):c.1163G>A (p.Arg388Lys)

Gene: ANK2 (ankyrin 2; plus strand). Cytogenetic location: 4q26.
Variant type: single nucleotide variant.
Coding change: c.1163G>A on transcript NM_001148.6 (MANE Select); coding-DNA position 1163, G replaced by A.
Protein change: p.Arg388Lys; replaces arginine 388 with lysine.
Molecular consequence: missense variant.
Genome position (GRCh38, 1-based): chr4:113,255,907, G>A. VCF-style: chr4-113255907-G-A. GRCh37 (hg19) VCF-style: chr4-114177063-G-A.
Other names: c.1100G>A, p.Arg367Lys (NM_001127493.3, NM_001354239.2, NM_001354243.2 and 14 more transcripts); c.1163G>A, p.Arg388Lys (NM_001354225.2, NM_001354228.2, NM_001354232.2 and 9 more transcripts); c.1208G>A, p.Arg403Lys (NM_001354230.2, NM_001354231.2, NM_001354237.2 and 5 more transcripts); c.1076G>A, p.Arg359Lys (NM_001354249.2, NM_001354260.2, NM_001354264.2 and 16 more transcripts); c.1121G>A, p.Arg374Lys (NM_001354261.2, NM_001386147.1, NM_001386160.1); c.1151G>A, p.Arg384Lys (NM_001354269.3, NM_001386148.2, NM_001386186.2); c.1214G>A, p.Arg405Lys (NM_001386174.1); c.1190G>A, p.Arg397Lys (NM_001386175.1); and 1 more; short protein forms R403K, R359K, R367K, R374K, R384K, R388K, R376K, R397K.
Identifiers: ClinVar variation 963140 (VCV000963140.8), dbSNP rs200799668, ClinGen allele CA3050193.

ClinVar aggregate classification (germline): Uncertain significance. Review status: criteria provided, multiple submitters, no conflicts (2 of 4 stars). 2 submissions from 2 submitters: Uncertain significance (2). Last evaluated 2025-02-16.

Conditions:
Long QT syndrome (LQTS). Identifiers: MedGen C0023976, MeSH D008133, MONDO:0002442. Disease mechanism: loss of function. Inheritance: Various modes of inheritance.

Allele frequency attached by ClinVar (database versions not stated): ExAC 0.00001; gnomAD 0.00001; 1000 Genomes Project 30x 0.00016; 1000 Genomes Project 0.00020.
gnomAD v4.1: 3 of 1,614,184 alleles (0.00019%); highest among the groups gnomAD compares: East Asian, 0.0045%; no homozygotes.

Submissions (2):

GeneDx
Classification: Uncertain significance. Last evaluated: 2025-02-16. Review status: criteria provided, single submitter. Criteria: GeneDx Variant Classification Process June 2021. Collection method: clinical testing. Allele origin: germline. Affected: yes.
Comment: Identified in a cohort of patients with autism spectrum disorder; however, the variant was maternally inherited and detailed clinical information on proband and parents was not provided (PMID: 30564305); Not observed at significant frequency in large population cohorts (gnomAD); In silico analysis indicates that this missense variant does not alter protein structure/function; This variant is associated with the following publications: (PMID: 39895654, 30564305)

Labcorp Genetics (formerly Invitae), Labcorp
Classification: Uncertain significance for Long QT syndrome. Last evaluated: 2019-10-09. Review status: criteria provided, single submitter. Criteria: Invitae Variant Classification Sherloc (09022015). Collection method: clinical testing. Allele origin: germline.
Comment: In summary, the available evidence is currently insufficient to determine the role of this variant in disease. Therefore, it has been classified as a Variant of Uncertain Significance. Algorithms developed to predict the effect of missense changes on protein structure and function (SIFT, PolyPhen-2, Align-GVGD) all suggest that this variant is likely to be tolerated, but these predictions have not been confirmed by published functional studies and their clinical significance is uncertain. This variant has been observed in an individual affected with an ANK2-related condition (PMID: 30564305). This variant is present in population databases (rs200799668, ExAC 0.01%). This sequence change replaces arginine with lysine at codon 388 of the ANK2 protein (p.Arg388Lys). The arginine residue is moderately conserved and there is a small physicochemical difference between arginine and lysine.

Literature cited by the submitters: PubMed 30564305 (cited by Labcorp Genetics (formerly Invitae), Labcorp).